The following is an entry in ClinVar:

ClinVar aggregate classification (germline): Uncertain significance. Review status: criteria provided, multiple submitters, no conflicts (2 of 4 stars). 5 submissions from 5 submitters: Uncertain significance (5). Last evaluated 2026-09-30.

Conditions:
Inborn genetic diseases. Identifiers: MedGen C0950123, MeSH D030342.
Muscular dystrophy-dystroglycanopathy (congenital with brain and eye anomalies), type A9. Also called: WALKER-WARBURG SYNDROME OR MUSCLE-EYE BRAIN DISEASE, DAG1-RELATED; Muscular dystrophy-dystroglycanopathy (congenital with brain and eye anomalies), type a, 9. Identifiers: Orphanet 370997, Orphanet 899, MedGen C4225291, MONDO:0014683, OMIM 616538.
Autosomal recessive limb-girdle muscular dystrophy type 2P. Also called: Limb-Girdle Muscular Dystrophy Type 9C; MUSCULAR DYSTROPHY, LIMB-GIRDLE, TYPE 2P; MUSCULAR DYSTROPHY-DYSTROGLYCANOPATHY, LIMB-GIRDLE, DAG1-RELATED. Identifiers: Orphanet 280333, MedGen C4511963, MONDO:0013440, OMIM 613818.

Allele frequency attached by ClinVar (database versions not stated): ExAC 0.00006; gnomAD 0.00007 and 0.00008; gnomAD exomes 0.00006 and 0.00009; TOPMed 0.00007.
gnomAD v4.1: 135 of 1,613,868 alleles (0.0084%); highest among the groups gnomAD compares: Non-Finnish European, 0.011%; no homozygotes.

Submissions (5):

GeneDx
Classification: Uncertain significance. Last evaluated: 2026-09-30. Review status: criteria provided, single submitter. Criteria: GeneDx Variant Classification Process June 2021. Collection method: clinical testing. Allele origin: germline.
Comment: Not observed at significant frequency in large population cohorts (gnomAD); In silico analysis suggests that this missense variant does not alter protein structure/function; Has not been previously published as pathogenic or benign to our knowledge; This variant is associated with the following publications: (PMID: 30564623, 21388311)

Labcorp Genetics (formerly Invitae), Labcorp
Classification: Uncertain significance for Autosomal recessive limb-girdle muscular dystrophy type 2P; Muscular dystrophy-dystroglycanopathy (congenital with brain and eye anomalies), type A9. Last evaluated: 2022-08-15. Review status: criteria provided, single submitter. Criteria: Invitae Variant Classification Sherloc (09022015). Collection method: clinical testing. Allele origin: germline.
Comment: This sequence change replaces proline, which is neutral and non-polar, with leucine, which is neutral and non-polar, at codon 427 of the DAG1 protein (p.Pro427Leu). This variant is present in population databases (rs770985285, gnomAD 0.01%). This variant has not been reported in the literature in individuals affected with DAG1-related conditions. ClinVar contains an entry for this variant (Variation ID: 285462). Algorithms developed to predict the effect of missense changes on protein structure and function (SIFT, PolyPhen-2, Align-GVGD) all suggest that this variant is likely to be tolerated. In summary, the available evidence is currently insufficient to determine the role of this variant in disease. Therefore, it has been classified as a Variant of Uncertain Significance.

Ambry Genetics
Classification: Uncertain significance for Inborn genetic diseases. Last evaluated: 2021-07-09. Review status: criteria provided, single submitter. Criteria: Ambry Variant Classification Scheme 2023. Collection method: clinical testing. Allele origin: germline.

Revvity Omics, Revvity
Classification: Uncertain significance. Last evaluated: 2019-06-03. Review status: criteria provided, single submitter. Criteria: ACMG Guidelines, 2015. Collection method: clinical testing. Allele origin: germline.

Eurofins Ntd Llc (ga)
Classification: Uncertain significance. Last evaluated: 2017-02-02. Review status: criteria provided, single submitter. Criteria: EGL Classification Definitions 2015. Collection method: clinical testing. Allele origin: germline. Observed: 4 variant alleles, 4 heterozygotes.

NM_004393.6(DAG1):c.1280C>T (p.Pro427Leu)

Gene: DAG1 (dystroglycan 1; plus strand). Cytogenetic location: 3p21.31.
Variant type: single nucleotide variant.
Coding change: c.1280C>T on transcript NM_004393.6 (MANE Select); coding-DNA position 1280, C replaced by T.
Protein change: p.Pro427Leu; replaces proline 427 with leucine.
Molecular consequence: missense variant.
Genome position (GRCh38, 1-based): chr3:49,531,791, C>T. VCF-style: chr3-49531791-C-T. GRCh37 (hg19) VCF-style: chr3-49569224-C-T.
Other names: c.1280C>T, p.Pro427Leu (NM_001165928.4, NM_001177634.3, NM_001177635.3 and 9 more transcripts); c.1280C>T (NM_004393.4); short protein forms P427L.
Identifiers: ClinVar variation 285462 (VCV000285462.15), dbSNP rs770985285, ClinGen allele CA2399045.